The following is an entry in ClinVar:

ClinVar aggregate classification (germline): Uncertain significance (1 of 4 stars; one submission).

Conditions:
Cardiomyopathy (CMYO). Also called: Cardiomyopathies. Identifiers: Orphanet 167848, MedGen C0878544, MONDO:0004994, HP:0001638. Inheritance: Various modes of inheritance.

gnomAD v4.1: 2 of 1,609,208 alleles (0.00012%); highest among the groups gnomAD compares: Non-Finnish European, 0.00017%; no homozygotes.

Submission:

Color Diagnostics, LLC DBA Color Health
Classification: Uncertain significance for Cardiomyopathy. Last evaluated: 2022-07-11. Review status: criteria provided, single submitter. Criteria: ACMG Guidelines, 2015. Collection method: clinical testing. Allele origin: germline.
Comment: This variant causes an A to C nucleotide substitution at the -15 position of intron 11 of the RYR2 gene. Splice prediction tools and conservation analysis are inconclusive regarding the impact of this variant on RNA splicing. To our knowledge, functional studies have not been reported for this variant. This variant has not been reported in individuals affected with cardiovascular disorders in the literature. This variant has not been identified in the general population by the Genome Aggregation Database (gnomAD). The available evidence is insufficient to determine the role of this variant in disease conclusively. Therefore, this variant is classified as a Variant of Uncertain Significance.

NM_001035.3(RYR2):c.849-15A>C

Gene: RYR2 (ryanodine receptor 2; plus strand). Cytogenetic location: 1q43.
Variant type: single nucleotide variant.
Coding change: c.849-15A>C on transcript NM_001035.3 (MANE Select); 15 bases into the intron before coding-DNA position 849, A replaced by C.
Molecular consequence: intron variant.
Genome position (GRCh38, 1-based): chr1:237,423,077, A>C. VCF-style: chr1-237423077-A-C. GRCh37 (hg19) VCF-style: chr1-237586377-A-C.
Identifiers: ClinVar variation 2774244 (VCV002774244.2), dbSNP rs1304909483, ClinGen allele CA2651198045.
Genomic context (GRCh38, chr1:237,423,077, plus strand): 5'-CCGACATATGTTTTAATAGCTACTCCTTCTGTGATTGTGGGTGCTATTGGATCAAGTCCT[A>C]ACTGTTTTCATTAGGTGGAGTGGAAGCCACATAAGATGGGGACAGCCATTCCGACTACGC-3'